The following is an entry in ClinVar:

NM_001844.5(COL2A1):c.3884G>T (p.Ser1295Ile)

Gene: COL2A1 (collagen type II alpha 1 chain; minus strand). Cytogenetic location: 12q13.11.
Variant type: single nucleotide variant.
Coding change: c.3884G>T on transcript NM_001844.5 (MANE Select); coding-DNA position 3884, G replaced by T.
Protein change: p.Ser1295Ile; replaces serine 1295 with isoleucine.
Molecular consequence: missense variant.
Genome position (GRCh38, 1-based): chr12:47,975,319, C>A on the plus strand (G>T on the coding strand, the complement: COL2A1 is on the minus strand). VCF-style: chr12-47975319-C-A. GRCh37 (hg19) VCF-style: chr12-48369102-C-A.
Other names: c.3677G>T, p.Ser1226Ile (NM_033150.3); short protein forms S1226I, S1295I.
Identifiers: ClinVar variation 4850919 (VCV004850919.1).

ClinVar aggregate classification (germline): VUS-high (1 of 4 stars; one submission).

Conditions:
Otospondylomegaepiphyseal dysplasia, autosomal recessive (OSMEDB). Also called: CHONDRODYSTROPHY WITH SENSORINEURAL DEAFNESS; Insley-Astley syndrome. Identifiers: Orphanet 1427, MedGen CN034493, MONDO:0044206, OMIM 215150.

Submission:

Clinical Genetics and Genomics, Karolinska University Hospital
Classification: VUS-high for Otospondylomegaepiphyseal dysplasia, autosomal recessive. Last evaluated: 2026-04-07. Review status: criteria provided, single submitter. Criteria: ACMG Guidelines, 2015. Collection method: clinical testing. Allele origin: de novo. Affected: yes.
Comment: This variant is not present in population databases (gnomAD no frequency). To our knowledge the p.(Ser1295Ile) variant is not previously reported in patients with COL2A1-related disorder.